The following is an entry in ClinVar:

NM_014639.4(SKIC3):c.2306C>T (p.Ala769Val)

Gene: SKIC3 (SKI3 subunit of superkiller complex; minus strand). Cytogenetic location: 5q15.
Variant type: single nucleotide variant.
Coding change: c.2306C>T on transcript NM_014639.4 (MANE Select); coding-DNA position 2306, C replaced by T.
Protein change: p.Ala769Val; replaces alanine 769 with valine.
Molecular consequence: missense variant.
Genome position (GRCh38, 1-based): chr5:95,517,046, G>A on the plus strand (C>T on the coding strand, the complement: SKIC3 is on the minus strand). VCF-style: chr5-95517046-G-A. GRCh37 (hg19) VCF-style: chr5-94852750-G-A.
Other names: short protein forms A769V.
Identifiers: ClinVar variation 1487527 (VCV001487527.4), dbSNP rs746731529, ClinGen allele CA3347115.

ClinVar aggregate classification (germline): Uncertain significance (1 of 4 stars; one submission).

Allele frequency attached by ClinVar (database versions not stated): gnomAD exomes below 0.00001 and 0.00001; ExAC 0.00001; TOPMed 0.00001.
gnomAD v4.1: 3 of 1,613,598 alleles (0.00019%); highest among the groups gnomAD compares: Admixed American, 0.0033%; no homozygotes.

Submission:

Labcorp Genetics (formerly Invitae), Labcorp
Classification: Uncertain significance. Last evaluated: 2022-03-14. Review status: criteria provided, single submitter. Criteria: Invitae Variant Classification Sherloc (09022015). Collection method: clinical testing. Allele origin: germline.
Comment: In summary, the available evidence is currently insufficient to determine the role of this variant in disease. Therefore, it has been classified as a Variant of Uncertain Significance. Algorithms developed to predict the effect of missense changes on protein structure and function are either unavailable or do not agree on the potential impact of this missense change (SIFT: "Tolerated"; PolyPhen-2: "Probably Damaging"; Align-GVGD: "Class C0"). This variant has not been reported in the literature in individuals affected with TTC37-related conditions. This variant is present in population databases (rs746731529, gnomAD 0.003%). This sequence change replaces alanine, which is neutral and non-polar, with valine, which is neutral and non-polar, at codon 769 of the TTC37 protein (p.Ala769Val).